The following is an entry in ClinVar:

ClinVar aggregate classification (germline): Uncertain significance. Review status: criteria provided, multiple submitters, no conflicts (2 of 4 stars). 2 submissions from 2 submitters: Uncertain significance (2). Last evaluated 2026-04-07.

Conditions:
TTN-related disorder. Also called: TTN-related disorders; TTN-related condition; TTN-related disease.

Allele frequency attached by ClinVar (database versions not stated): gnomAD 0.00001; TOPMed 0.00001; ExAC 0.00003; gnomAD exomes 0.00003 and below 0.00001; 1000 Genomes Project 30x 0.00016; 1000 Genomes Project 0.00020.
gnomAD v4.1: 12 of 1,593,598 alleles (0.00075%); highest among the groups gnomAD compares: South Asian, 0.007%; no homozygotes.

Submissions (2):

PreventionGenetics, part of Exact Sciences
Classification: Uncertain significance for TTN-related condition. Last evaluated: 2026-04-07. Review status: criteria provided, single submitter. Criteria: ACMG Guidelines, 2015. Collection method: clinical testing. Allele origin: germline.
Comment: The TTN c.47662G>A variant is predicted to result in the amino acid substitution p.Gly15888Arg. To our knowledge, this variant has not been reported in the literature. This variant is reported in 0.020% of alleles in individuals of South Asian descent in gnomAD. At this time, the clinical significance of this variant is uncertain due to the absence of conclusive functional and genetic evidence.

Athena Diagnostics
Classification: Uncertain significance. Last evaluated: 2019-06-06. Review status: criteria provided, single submitter. Criteria: Athena Diagnostics Criteria. Collection method: clinical testing. Allele origin: germline.

NM_001267550.2(TTN):c.47662G>A (p.Gly15888Arg)

Genes: TTN (titin; minus strand), TTN-AS1 (TTN antisense RNA 1; plus strand). Cytogenetic location: 2q31.2.
Variant type: single nucleotide variant.
Coding change: c.47662G>A on transcript NM_001267550.2 (MANE Select); coding-DNA position 47662, G replaced by A.
Protein change: p.Gly15888Arg; replaces glycine 15888 with arginine.
Molecular consequence: missense variant.
Genome position (GRCh38, 1-based): chr2:178,617,423, C>T on the plus strand (G>A on the coding strand, the complement: TTN is on the minus strand). VCF-style: chr2-178617423-C-T. GRCh37 (hg19) VCF-style: chr2-179482150-C-T.
Other names: c.42739G>A, p.Gly14247Arg (NM_001256850.1); c.20467G>A, p.Gly6823Arg (NM_003319.4); c.39958G>A, p.Gly13320Arg (NM_133378.4); c.20842G>A, p.Gly6948Arg (NM_133432.3); c.21043G>A, p.Gly7015Arg (NM_133437.4); short protein forms G6823R, G13320R, G14247R, G15888R, G7015R, G6948R.
Identifiers: ClinVar variation 805718 (VCV000805718.2), dbSNP rs566975986, ClinGen allele CA1995012.
Genomic context (GRCh38, chr2:178,617,423, plus strand): 5'-GAATCCAATTATCTTTTCCTTCTTCGCATCGCTCAATTATATAGCCTAATATTGGGCTTC[C>T]TCCATCTTTCAGAGGAGGTTCCCATTTGAGCTGAACTGATGACTGAGTCTGATCTGAGGA-3'
Protein context (NP_001254479.2, residues 15878-15898): LKWEPPLKDG[Gly15888Arg]SPILGYIIER